The following is an entry in ClinVar:

NM_024422.6(DSC2):c.69+356GGGAGTGCGCCGGGGC[4]

Gene: DSC2 (desmocollin 2; minus strand). Cytogenetic location: 18q12.1.
Variant type: Microsatellite.
Coding change: c.69+356GGGAGTGCGCCGGGGC[4] on transcript NM_024422.6 (MANE Select); four copies in a row of the 16-base unit GGGAGTGCGCCGGGGC starting at c.69+356; the reference has two copies in a row; two copies, 32 bases duplicated.
Molecular consequence: intron variant.
Genome position (GRCh38, 1-based): chr18:31,101,516-31,101,547, 32 bases duplicated; duplicating any 32 consecutive bases within chr18:31,101,516-31,101,562 gives the same sequence; the position shown is the placement nearest the transcript's 3' end. GRCh37 (hg19), VCF-style position (the base before the change): chr18:28,681,478.
Other names: c.69+356GGGAGTGCGCCGGGGC[4] (NM_004949.5).
Identifiers: ClinVar variation 4534612 (VCV004534612.6).

ClinVar aggregate classification (germline): Likely benign (1 of 4 stars; one submission).

Submission:

CeGaT Center for Human Genetics Tuebingen
Classification: Likely benign. Last evaluated: 2026-09-01. Review status: criteria provided, single submitter. Criteria: CeGaT Center For Human Genetics Tuebingen Variant Classification Criteria Version 2. Collection method: clinical testing. Allele origin: germline. Affected: yes. Observed: 6 variant alleles.
Comment: DSC2: BS2